The following is an entry in ClinVar:

NM_178452.6(DNAAF1):c.154G>A (p.Gly52Ser)

Gene: DNAAF1 (dynein axonemal assembly factor 1; plus strand). Cytogenetic location: 16q24.1.
Variant type: single nucleotide variant.
Coding change: c.154G>A on transcript NM_178452.6 (MANE Select); coding-DNA position 154, G replaced by A.
Protein change: p.Gly52Ser; replaces glycine 52 with serine.
Molecular consequence: missense variant.
Genome position (GRCh38, 1-based): chr16:84,149,036, G>A. VCF-style: chr16-84149036-G-A. GRCh37 (hg19) VCF-style: chr16-84182641-G-A.
Other names: c.154G>A (NM_178452.4); short protein forms G52S.
Identifiers: ClinVar variation 1517681 (VCV001517681.4), dbSNP rs143490141, ClinGen allele CA8202386.
Genomic context (GRCh38, chr16:84,149,036, plus strand): 5'-CTCTACAGACCTGATCTCTTTTATTTTACAGAAATTAATGATCCTAAGGAAATATGTGTG[G>A]GTTCTTCTGACACATCCTACCACAGCCAGCAGAAACAGAGTGGTGATAATGGGTCAGGTG-3'
Protein context (NP_848547.4, residues 42-62): EINDPKEICV[Gly52Ser]SSDTSYHSQQ

ClinVar aggregate classification (germline): Uncertain significance. Review status: criteria provided, multiple submitters, no conflicts (2 of 4 stars). 2 submissions from 2 submitters: Uncertain significance (2). Last evaluated 2025-02-28.

Conditions:
Primary ciliary dyskinesia. Also called: Ciliary dyskinesia. Identifiers: Orphanet 244, MedGen C0008780, MONDO:0016575, HP:0012265.

Allele frequency attached by ClinVar (database versions not stated): gnomAD 0.00002; ExAC 0.00004; gnomAD exomes 0.00004; ESP Exome Variant Server 0.00015.

Submissions (2):

Ambry Genetics
Classification: Uncertain significance for Primary ciliary dyskinesia. Last evaluated: 2025-02-28. Review status: criteria provided, single submitter. Criteria: Ambry Variant Classification Scheme 2023. Collection method: clinical testing. Allele origin: germline.

Labcorp Genetics (formerly Invitae), Labcorp
Classification: Uncertain significance for Primary ciliary dyskinesia. Last evaluated: 2021-09-14. Review status: criteria provided, single submitter. Criteria: Invitae Variant Classification Sherloc (09022015). Collection method: clinical testing. Allele origin: germline.
Comment: This sequence change replaces glycine with serine at codon 52 of the DNAAF1 protein (p.Gly52Ser). The glycine residue is moderately conserved and there is a small physicochemical difference between glycine and serine. This variant is present in population databases (rs143490141, ExAC 0.01%). This variant has not been reported in the literature in individuals affected with DNAAF1-related conditions. Algorithms developed to predict the effect of missense changes on protein structure and function output the following: SIFT: "Tolerated"; PolyPhen-2: "Benign"; Align-GVGD: "Class C0". The serine amino acid residue is found in multiple mammalian species, which suggests that this missense change does not adversely affect protein function. In summary, the available evidence is currently insufficient to determine the role of this variant in disease. Therefore, it has been classified as a Variant of Uncertain Significance.